The following is an entry in ClinVar:

ClinVar aggregate classification (germline): Uncertain significance (1 of 4 stars; one submission).

Conditions:
Autosomal recessive severe congenital neutropenia due to CSF3R deficiency. Also called: Neutropenia, severe congenital, 7, autosomal recessive. Identifiers: Orphanet 420702, MedGen C4310764, MONDO:0014865, OMIM 617014.

gnomAD v4.1: 2 of 1,614,100 alleles (0.00012%); highest among the groups gnomAD compares: African/African-American, 0.0027%; no homozygotes.

Submission:

Labcorp Genetics (formerly Invitae), Labcorp
Classification: Uncertain significance for Autosomal recessive severe congenital neutropenia due to CSF3R deficiency. Last evaluated: 2024-09-29. Review status: criteria provided, single submitter. Criteria: Invitae Variant Classification Sherloc (09022015). Collection method: clinical testing. Allele origin: germline.
Comment: This sequence change replaces tyrosine, which is neutral and polar, with phenylalanine, which is neutral and non-polar, at codon 292 of the CSF3R protein (p.Tyr292Phe). This variant is present in population databases (rs542144205, gnomAD 0.01%). This variant has not been reported in the literature in individuals affected with CSF3R-related conditions. Invitae Evidence Modeling of protein sequence and biophysical properties (such as structural, functional, and spatial information, amino acid conservation, physicochemical variation, residue mobility, and thermodynamic stability) indicates that this missense variant is not expected to disrupt CSF3R protein function with a negative predictive value of 80%. In summary, the available evidence is currently insufficient to determine the role of this variant in disease. Therefore, it has been classified as a Variant of Uncertain Significance.

NM_000760.4(CSF3R):c.875A>T (p.Tyr292Phe)

Gene: CSF3R (colony stimulating factor 3 receptor; minus strand). Cytogenetic location: 1p34.3.
Variant type: single nucleotide variant.
Coding change: c.875A>T on transcript NM_000760.4 (MANE Select); coding-DNA position 875, A replaced by T.
Protein change: p.Tyr292Phe; replaces tyrosine 292 with phenylalanine.
Molecular consequence: missense variant.
Genome position (GRCh38, 1-based): chr1:36,472,360, T>A on the plus strand (A>T on the coding strand, the complement: CSF3R is on the minus strand). VCF-style: chr1-36472360-T-A. GRCh37 (hg19) VCF-style: chr1-36937961-T-A.
Other names: c.875A>T, p.Tyr292Phe (NM_156039.3, NM_172313.3); short protein forms Y292F.
Identifiers: ClinVar variation 3628071 (VCV003628071.2).